The following is an entry in ClinVar:

NM_000203.5(IDUA):c.1489A>G (p.Thr497Ala)

Gene: IDUA (alpha-L-iduronidase; plus strand). Cytogenetic location: 4p16.3.
Variant type: single nucleotide variant.
Coding change: c.1489A>G on transcript NM_000203.5 (MANE Select); coding-DNA position 1489, A replaced by G.
Protein change: p.Thr497Ala; replaces threonine 497 with alanine.
Molecular consequence: missense variant. On other transcripts: non-coding transcript variant (1).
Genome position (GRCh38, 1-based): chr4:1,003,122, A>G. VCF-style: chr4-1003122-A-G. GRCh37 (hg19) VCF-style: chr4-996910-A-G.
Other names: c.1093A>G, p.Thr365Ala (NM_001363576.1); short protein forms T365A, T497A.
Identifiers: ClinVar variation 1918092 (VCV001918092.2), dbSNP rs1395863303, ClinGen allele CA355964685.

ClinVar aggregate classification (germline): Uncertain significance (1 of 4 stars; one submission).

Conditions:
Mucopolysaccharidosis type 1. Also called: IDUA deficiency; MPS I. Identifiers: Orphanet 579, MedGen C0023786, MONDO:0001586.

Allele frequency attached by ClinVar (database versions not stated): gnomAD exomes below 0.00001; TOPMed 0.00001.
gnomAD v4.1: 2 of 1,470,318 alleles (0.00014%); highest among the groups gnomAD compares: East Asian, 0.0031%; no homozygotes.

Submission:

Labcorp Genetics (formerly Invitae), Labcorp
Classification: Uncertain significance for Mucopolysaccharidosis type 1. Last evaluated: 2022-09-02. Review status: criteria provided, single submitter. Criteria: Invitae Variant Classification Sherloc (09022015). Collection method: clinical testing. Allele origin: germline.
Comment: This sequence change replaces threonine, which is neutral and polar, with alanine, which is neutral and non-polar, at codon 497 of the IDUA protein (p.Thr497Ala). This variant is not present in population databases (gnomAD no frequency). This variant has not been reported in the literature in individuals affected with IDUA-related conditions. Algorithms developed to predict the effect of missense changes on protein structure and function (SIFT, PolyPhen-2, Align-GVGD) all suggest that this variant is likely to be tolerated. In summary, the available evidence is currently insufficient to determine the role of this variant in disease. Therefore, it has been classified as a Variant of Uncertain Significance.